The following is an entry in ClinVar:

ClinVar aggregate classification (germline): Uncertain significance (1 of 4 stars; one submission).

Allele frequency attached by ClinVar (database versions not stated): gnomAD exomes below 0.00001; gnomAD 0.00001.
gnomAD v4.1: 4 of 1,614,078 alleles (0.00025%); highest among the groups gnomAD compares: Non-Finnish European, 0.00034%; no homozygotes.

Submission:

Labcorp Genetics (formerly Invitae), Labcorp
Classification: Uncertain significance. Last evaluated: 2022-01-02. Review status: criteria provided, single submitter. Criteria: Invitae Variant Classification Sherloc (09022015). Collection method: clinical testing. Allele origin: germline.
Comment: This sequence change replaces lysine, which is basic and polar, with isoleucine, which is neutral and non-polar, at codon 453 of the TUFM protein (p.Lys453Ile). This variant is not present in population databases (gnomAD no frequency). This variant has not been reported in the literature in individuals affected with TUFM-related conditions. Algorithms developed to predict the effect of missense changes on protein structure and function (SIFT, PolyPhen-2, Align-GVGD) all suggest that this variant is likely to be tolerated. In summary, the available evidence is currently insufficient to determine the role of this variant in disease. Therefore, it has been classified as a Variant of Uncertain Significance.

NM_003321.5(TUFM):c.1358A>T (p.Lys453Ile)

Gene: TUFM (Tu translation elongation factor, mitochondrial; minus strand). Cytogenetic location: 16p11.2.
Variant type: single nucleotide variant.
Coding change: c.1358A>T on transcript NM_003321.5 (MANE Select); coding-DNA position 1358, A replaced by T.
Protein change: p.Lys453Ile; replaces lysine 453 with isoleucine.
Molecular consequence: missense variant.
Genome position (GRCh38, 1-based): chr16:28,842,985, T>A on the plus strand (A>T on the coding strand, the complement: TUFM is on the minus strand). VCF-style: chr16-28842985-T-A. GRCh37 (hg19) VCF-style: chr16-28854306-T-A.
Other names: c.1274A>T, p.Lys425Ile (NM_001365360.2); short protein forms K425I, K453I.
Identifiers: ClinVar variation 1991916 (VCV001991916.4), dbSNP rs1961839429, ClinGen allele CA395412616.